The following is an entry in ClinVar:

ClinVar aggregate classification (germline): Uncertain significance. Review status: criteria provided, multiple submitters, no conflicts (2 of 4 stars). 5 submissions from 5 submitters: Uncertain significance (5). Last evaluated 2026-05-26.

Conditions:
SCN9A-related disorder. Also called: SCN9A-related disorders; SCN9A-related condition.
Generalized epilepsy with febrile seizures plus, type 7 (GEFSP7). Also called: GEFS+, TYPE 7. Identifiers: Orphanet 36387, MedGen C2751778, MONDO:0013470, OMIM 613863.
Neuropathy, hereditary sensory and autonomic, type 2A (HSAN2A). Also called: MORVAN DISEASE; NEUROPATHY, CONGENITAL SENSORY; NEUROPATHY, HEREDITARY SENSORY RADICULAR, AUTOSOMAL RECESSIVE; NEUROPATHY, HEREDITARY SENSORY, TYPE IIA; NEUROPATHY, PROGRESSIVE SENSORY, OF CHILDREN; ACROOSTEOLYSIS, GIACCAI TYPE. Identifiers: Orphanet 970, MedGen C2752089, MONDO:0024309, OMIM 201300.

Allele frequency attached by ClinVar (database versions not stated): gnomAD 0.00001; TOPMed 0.00001.
gnomAD v4.1: 17 of 1,614,026 alleles (0.0011%); highest among the groups gnomAD compares: Middle Eastern, 0.033%; no homozygotes.

Submissions (5):

PreventionGenetics, part of Exact Sciences
Classification: Uncertain significance for SCN9A-related condition. Last evaluated: 2026-05-26. Review status: criteria provided, single submitter. Criteria: ACMG Guidelines, 2015. Collection method: clinical testing. Allele origin: germline.
Comment: The SCN9A c.5131C>T variant is predicted to result in the amino acid substitution p.Pro1711Ser. This variant has been reported as a variant of uncertain significance in an individual with seizures (Table S2, Sanchis-Juan et al. 2023. PubMed ID: 37541188). This variant has not been reported in a large population database (gnomAD), indicating this variant is rare. At this time, the clinical significance of this variant is uncertain due to the absence of conclusive functional and genetic evidence.

Labcorp Genetics (formerly Invitae), Labcorp
Classification: Uncertain significance for Neuropathy, hereditary sensory and autonomic, type 2A; Generalized epilepsy with febrile seizures plus, type 7. Last evaluated: 2025-11-05. Review status: criteria provided, single submitter. Criteria: Invitae Variant Classification Sherloc (09022015). Collection method: clinical testing. Allele origin: germline.
Comment: This sequence change replaces proline, which is neutral and non-polar, with serine, which is neutral and polar, at codon 1711 of the SCN9A protein (p.Pro1711Ser). This variant is not present in population databases (gnomAD no frequency). This missense change has been observed in individual(s) with seizures (PMID: 37541188). ClinVar contains an entry for this variant (Variation ID: 945950). Invitae Evidence Modeling of protein sequence and biophysical properties (such as structural, functional, and spatial information, amino acid conservation, physicochemical variation, residue mobility, and thermodynamic stability) indicates that this missense variant is not expected to disrupt SCN9A protein function with a negative predictive value of 95%. In summary, the available evidence is currently insufficient to determine the role of this variant in disease. Therefore, it has been classified as a Variant of Uncertain Significance.

GeneDx
Classification: Uncertain significance. Last evaluated: 2022-10-31. Review status: criteria provided, single submitter. Criteria: GeneDx Variant Classification Process June 2021. Collection method: clinical testing. Allele origin: germline. Affected: yes.
Comment: Not observed at significant frequency in large population cohorts (gnomAD); In silico analysis supports that this missense variant has a deleterious effect on protein structure/function; Has not been previously published as pathogenic or benign to our knowledge

Baylor Genetics
Classification: Uncertain significance for Generalized epilepsy with febrile seizures plus, type 7. Last evaluated: 2019-10-07. Review status: criteria provided, single submitter. Criteria: ACMG Guidelines, 2015. Collection method: clinical testing. Allele origin: unknown. Affected: yes.
Comment: This variant was determined to be of uncertain significance according to ACMG Guidelines, 2015 [PMID:25741868].

Mayo Clinic Laboratories, Mayo Clinic
Classification: Uncertain significance. Last evaluated: 2019-05-06. Review status: criteria provided, single submitter. Criteria: ACMG Guidelines, 2015. Collection method: clinical testing. Allele origin: germline. Observed: 1 variant allele.

Literature cited by the submitters: PubMed 37541188 (cited by Labcorp Genetics (formerly Invitae), Labcorp).

NM_001365536.1(SCN9A):c.5164C>T (p.Pro1722Ser)

Genes: SCN1A-AS1 (SCN1A and SCN9A antisense RNA 1; plus strand), SCN9A (sodium voltage-gated channel alpha subunit 9; minus strand). Cytogenetic location: 2q24.3.
Variant type: single nucleotide variant.
Coding change: c.5164C>T on transcript NM_001365536.1 (MANE Select); coding-DNA position 5164, C replaced by T.
Protein change: p.Pro1722Ser; replaces proline 1722 with serine.
Molecular consequence: missense variant.
Genome position (GRCh38, 1-based): chr2:166,199,475, G>A on the plus strand (C>T on the coding strand, the complement: SCN9A is on the minus strand). VCF-style: chr2-166199475-G-A. GRCh37 (hg19) VCF-style: chr2-167055985-G-A.
Other names: c.5131C>T, p.Pro1711Ser (NM_002977.4); short protein forms P1722S, P1711S.
Identifiers: ClinVar variation 945950 (VCV000945950.18), dbSNP rs201264153, ClinGen allele CA59783975.